The following is an entry in ClinVar:

ClinVar aggregate classification (germline): Uncertain significance (1 of 4 stars; one submission).

Conditions:
Leber congenital amaurosis 6 (LCA6). Identifiers: Orphanet 65, MedGen C1854260, MONDO:0013446, OMIM 613826.
Cone-rod dystrophy 13 (CORD13). Identifiers: Orphanet 1872, MedGen C2750720, MONDO:0011987, OMIM 608194.

Submission:

Labcorp Genetics (formerly Invitae), Labcorp
Classification: Uncertain significance for Leber congenital amaurosis 6; Cone-rod dystrophy 13. Last evaluated: 2025-05-22. Review status: criteria provided, single submitter. Criteria: Invitae Variant Classification Sherloc (09022015). Collection method: clinical testing. Allele origin: germline.
Comment: This sequence change replaces glycine, which is neutral and non-polar, with cysteine, which is neutral and slightly polar, at codon 577 of the RPGRIP1 protein (p.Gly577Cys). This variant is not present in population databases (gnomAD no frequency). This variant has not been reported in the literature in individuals affected with RPGRIP1-related conditions. An algorithm developed to predict the effect of missense changes on protein structure and function (PolyPhen-2) suggests that this variant is likely to be disruptive. In summary, the available evidence is currently insufficient to determine the role of this variant in disease. Therefore, it has been classified as a Variant of Uncertain Significance.

NM_020366.4(RPGRIP1):c.1729G>T (p.Gly577Cys)

Gene: RPGRIP1 (RPGR interacting protein 1; plus strand). Cytogenetic location: 14q11.2.
Variant type: single nucleotide variant.
Coding change: c.1729G>T on transcript NM_020366.4 (MANE Select); coding-DNA position 1729, G replaced by T.
Protein change: p.Gly577Cys; replaces glycine 577 with cysteine.
Molecular consequence: missense variant.
Genome position (GRCh38, 1-based): chr14:21,321,971, G>T. VCF-style: chr14-21321971-G-T. GRCh37 (hg19) VCF-style: chr14-21790130-G-T.
Other names: c.655G>T, p.Gly219Cys (NM_001377523.1, NM_001377948.1, NM_001377949.1 and 1 more transcripts); c.157G>T, p.Gly53Cys (NM_001377951.1); short protein forms G219C, G577C, G53C.
Identifiers: ClinVar variation 4785044 (VCV004785044.1).